The following is an entry in ClinVar:

ClinVar aggregate classification (germline): Uncertain significance (1 of 4 stars; one submission).

Submission:

Labcorp Genetics (formerly Invitae), Labcorp
Classification: Uncertain significance. Last evaluated: 2022-07-14. Review status: criteria provided, single submitter. Criteria: Invitae Variant Classification Sherloc (09022015). Collection method: clinical testing. Allele origin: germline.
Comment: This sequence change affects codon 947 of the ARFGEF2 mRNA. It is a 'silent' change, meaning that it does not change the encoded amino acid sequence of the ARFGEF2 protein. In summary, the available evidence is currently insufficient to determine the role of this variant in disease. Therefore, it has been classified as a Variant of Uncertain Significance. Algorithms developed to predict the effect of sequence changes on RNA splicing suggest that this variant may disrupt the consensus splice site. This variant has not been reported in the literature in individuals affected with ARFGEF2-related conditions. This variant is not present in population databases (gnomAD no frequency).

NM_006420.3(ARFGEF2):c.2841T>C (p.Ala947=)

Gene: ARFGEF2 (ARF guanine nucleotide exchange factor 2; plus strand). Cytogenetic location: 20q13.13.
Variant type: single nucleotide variant.
Coding change: c.2841T>C on transcript NM_006420.3 (MANE Select); coding-DNA position 2841, T replaced by C.
Protein change: p.Ala947=; no amino-acid change (alanine 947 retained).
Molecular consequence: synonymous variant.
Genome position (GRCh38, 1-based): chr20:48,991,066, T>C. VCF-style: chr20-48991066-T-C. GRCh37 (hg19) VCF-style: chr20-47607603-T-C.
Other names: c.2838T>C, p.Ala946= (NM_001410846.1).
Identifiers: ClinVar variation 2017047 (VCV002017047.4), dbSNP rs2515542134, ClinGen allele CA510794157.